The following is an entry in ClinVar:

NM_201384.3(PLEC):c.11127T>C (p.Ala3709=)

Gene: PLEC (plectin; minus strand). Cytogenetic location: 8q24.3.
Variant type: single nucleotide variant.
Coding change: c.11127T>C on transcript NM_201384.3 (MANE Select); coding-DNA position 11127, T replaced by C.
Protein change: p.Ala3709=; no amino-acid change (alanine 3709 retained).
Molecular consequence: synonymous variant.
Genome position (GRCh38, 1-based): chr8:143,918,694, A>G on the plus strand (T>C on the coding strand, the complement: PLEC is on the minus strand). VCF-style: chr8-143918694-A-G. GRCh37 (hg19) VCF-style: chr8-144992862-A-G.
Other names: p.Ala3695=; c.11208T>C, p.Ala3736= (NM_000445.5); c.11085T>C, p.Ala3695= (NM_201378.4); c.11061T>C, p.Ala3687= (NM_201379.3); c.11538T>C, p.Ala3846= (NM_201380.4); c.11031T>C, p.Ala3677= (NM_201381.3); c.11127T>C, p.Ala3709= (NM_201382.4); c.11139T>C, p.Ala3713= (NM_201383.3).
Identifiers: ClinVar variation 93022 (VCV000093022.29), dbSNP rs7819099, ClinGen allele CA146223.

ClinVar aggregate classification (germline): Benign. Review status: criteria provided, multiple submitters, no conflicts (2 of 4 stars). 14 submissions from 10 submitters: Benign (13). 1 of the submissions does not count toward it. Last evaluated 2026-02-04.

Conditions:
Autosomal recessive limb-girdle muscular dystrophy type 2Q (LGMDR17). Also called: MUSCULAR DYSTROPHY, LIMB-GIRDLE, AUTOSOMAL RECESSIVE 17. Identifiers: Orphanet 254361, MedGen C3150989, MONDO:0013390, OMIM 613723.
Epidermolysis bullosa simplex 5C, with pyloric atresia (EBS5C). Also called: PLEC-Related Epidermolysis Bullosa with Pyloric Atresia; Epidermolysis bullosa simplex with pyloric atresia; PLEC1-Related Epidermolysis Bullosa with Pyloric Atresia. Identifiers: Orphanet 158684, MedGen C2677349, MONDO:0012807, OMIM 612138.
Epidermolysis bullosa simplex 5B, with muscular dystrophy (EBS5B). Also called: EPIDERMOLYSIS BULLOSA SIMPLEX AND LIMB-GIRDLE MUSCULAR DYSTROPHY; Epidermolysis bullosa simplex with muscular dystrophy. Identifiers: Orphanet 257, MedGen C2931072, MONDO:0009181, OMIM 226670.
Epidermolysis bullosa simplex with nail dystrophy (EBS5D). Identifiers: MedGen C4225309, MONDO:0014661, OMIM 616487.
Epidermolysis bullosa simplex, Ogna type (EBS5A). Also called: EPIDERMOLYSIS BULLOSA SIMPLEX 5A, OGNA TYPE; Pidermolysis bullosa simplex 5A, Ogna type. Identifiers: Orphanet 79401, MedGen C0432317, MONDO:0007555, OMIM 131950.

Allele frequency attached by ClinVar (database versions not stated): 1000 Genomes Project 0.44609; 1000 Genomes Project 30x 0.45956; gnomAD 0.49247 and 0.50384; TOPMed 0.49841; ESP Exome Variant Server 0.53453.
gnomAD v4.1: 691,722 of 1,612,552 alleles (43%); highest among the groups gnomAD compares: African/African-American, 73%; 154,692 homozygotes.

Submissions (14):

Labcorp Genetics (formerly Invitae), Labcorp
Classification: Benign for Autosomal recessive limb-girdle muscular dystrophy type 2Q; Epidermolysis bullosa simplex, Ogna type; Epidermolysis bullosa simplex with nail dystrophy; Epidermolysis bullosa simplex 5C, with pyloric atresia; Epidermolysis bullosa simplex 5B, with muscular dystrophy. Last evaluated: 2026-02-04. Review status: criteria provided, single submitter. Criteria: Invitae Variant Classification Sherloc (09022015). Collection method: clinical testing. Allele origin: germline.

Blueprint Genetics
Classification: Benign. Last evaluated: 2024-11-27. Review status: criteria provided, single submitter. Criteria: ACMG Guidelines, 2015. Collection method: clinical testing. Allele origin: germline.

Genome-Nilou Lab
Classification: Benign for Epidermolysis bullosa simplex with nail dystrophy. Last evaluated: 2021-10-25. Review status: criteria provided, single submitter. Criteria: ACMG Guidelines, 2015. Collection method: clinical testing. Allele origin: germline. Affected: no.

Genome-Nilou Lab
Classification: Benign for Epidermolysis bullosa simplex, Ogna type. Last evaluated: 2021-10-25. Review status: criteria provided, single submitter. Criteria: ACMG Guidelines, 2015. Collection method: clinical testing. Allele origin: germline. Affected: no.

Genome-Nilou Lab
Classification: Benign for Epidermolysis bullosa simplex 5B, with muscular dystrophy. Last evaluated: 2021-10-25. Review status: criteria provided, single submitter. Criteria: ACMG Guidelines, 2015. Collection method: clinical testing. Allele origin: germline. Affected: no.

Genome-Nilou Lab
Classification: Benign for Epidermolysis bullosa simplex 5C, with pyloric atresia. Last evaluated: 2021-10-25. Review status: criteria provided, single submitter. Criteria: ACMG Guidelines, 2015. Collection method: clinical testing. Allele origin: germline. Affected: no.

Genome-Nilou Lab
Classification: Benign for Autosomal recessive limb-girdle muscular dystrophy type 2Q. Last evaluated: 2021-10-25. Review status: criteria provided, single submitter. Criteria: ACMG Guidelines, 2015. Collection method: clinical testing. Allele origin: germline. Affected: no.

Mayo Clinic Laboratories, Mayo Clinic
Classification: Benign. Last evaluated: 2017-07-24. Review status: criteria provided, single submitter. Criteria: ACMG Guidelines, 2015. Collection method: clinical testing. Allele origin: germline. Observed: 915 variant alleles.

GeneDx
Classification: Benign. Last evaluated: 2015-03-03. Review status: criteria provided, single submitter. Criteria: GeneDx Variant Classification Process June 2021. Collection method: clinical testing. Allele origin: germline. Affected: yes.

Laboratory for Molecular Medicine, Mass General Brigham Personalized Medicine
Classification: Benign. Last evaluated: 2015-01-13. Review status: criteria provided, single submitter. Criteria: LMM Criteria. Collection method: clinical testing. Allele origin: germline. Observed: 10 variant alleles.
Comment: p.Ala3846Ala in exon 32 of PLEC: This variant is not expected to have clinical s ignificance because it does not alter an amino acid residue and is not located w ithin the splice consensus sequence. It has been identified in 44.0% (3625/8232) of European American chromosomes from a broad population by the NHLBI Exome Seq uencing Project (dbSNP rs7819099).

Eurofins Ntd Llc (ga)
Classification: Benign. Last evaluated: 2014-05-21. Review status: criteria provided, single submitter. Criteria: EGL Classification Definitions 2015. Collection method: clinical testing. Allele origin: germline. Observed: 11 variant alleles, 8 heterozygotes, 3 homozygotes.

Breakthrough Genomics
Classification: Benign. Review status: criteria provided, single submitter. Criteria: ACMG Guidelines, 2015. Collection method: not provided. Allele origin: germline. Inheritance: Autosomal recessive inheritance. Affected: yes.

PreventionGenetics, part of Exact Sciences
Classification: Benign. Review status: criteria provided, single submitter. Criteria: ACMG Guidelines, 2015. Collection method: clinical testing. Allele origin: germline.

Genetic Services Laboratory, University of Chicago
Classification: Likely benign for AllHighlyPenetrant. Review status: no assertion criteria provided. Collection method: clinical testing. Allele origin: germline. Inheritance: Autosomal recessive inheritance. Not counted in ClinVar's aggregate classification.
Comment: Likely benign based on allele frequency in 1000 Genomes Project or ESP global frequency and its presence in a patient with a rare or unrelated disease phenotype. NOT Sanger confirmed.